The following is an entry in ClinVar:

NM_000219.6(KCNE1):c.38T>C (p.Leu13Pro)

Gene: KCNE1 (potassium voltage-gated channel subfamily E regulatory subunit 1; minus strand). Cytogenetic location: 21q22.12.
Variant type: single nucleotide variant.
Coding change: c.38T>C on transcript NM_000219.6 (MANE Select); coding-DNA position 38, T replaced by C.
Protein change: p.Leu13Pro; replaces leucine 13 with proline.
Molecular consequence: missense variant.
Genome position (GRCh38, 1-based): chr21:34,449,597, A>G on the plus strand (T>C on the coding strand, the complement: KCNE1 is on the minus strand). VCF-style: chr21-34449597-A-G. GRCh37 (hg19) VCF-style: chr21-35821895-A-G.
Other names: c.38T>C, p.Leu13Pro (NM_001127668.4, NM_001127669.4, NM_001127670.4 and 4 more transcripts); short protein forms L13P.
Identifiers: ClinVar variation 3373879 (VCV003373879.2).

Conditions:
Long QT syndrome 5 (LQT5). Identifiers: Orphanet 101016, Orphanet 768, MedGen C1867904, MONDO:0013372, OMIM 613695.

Submission:

Roden Lab, Vanderbilt University Medical Center
No classification provided (evidence only). Condition: Long QT syndrome 5. Review status: no classification provided. Collection method: in vitro. Allele origin: not applicable. Functional consequence: Effect on ion channel function.
ClinVar note: "not provided" was previously submitted as the classification for the variant. However, the classification appeared to be based only on an observation of functional data so it was converted to no classification on 2025-07-30.